The following is an entry in ClinVar:

NM_003924.4(PHOX2B):c.776C>T (p.Ala259Val)

Genes: PHOX2B (paired like homeobox 2B; minus strand), LOC110011216 (paired like homeobox 2b polyalanine repeat instability region; plus strand). Cytogenetic location: 4p13.
Variant type: single nucleotide variant.
Coding change: c.776C>T on transcript NM_003924.4 (MANE Select); coding-DNA position 776, C replaced by T.
Protein change: p.Ala259Val; replaces alanine 259 with valine.
Molecular consequence: missense variant.
Genome position (GRCh38, 1-based): chr4:41,745,976, G>A on the plus strand (C>T on the coding strand, the complement: PHOX2B is on the minus strand). VCF-style: chr4-41745976-G-A. GRCh37 (hg19) VCF-style: chr4-41747993-G-A.
Other names: short protein forms A259V.
Identifiers: ClinVar variation 3417928 (VCV003417928.1).

ClinVar aggregate classification (germline): Uncertain significance (1 of 4 stars; one submission).

Conditions:
Hereditary cancer-predisposing syndrome. Also called: Neoplastic Syndromes, Hereditary; Tumor predisposition; Hereditary Cancer Syndrome; Hereditary neoplastic syndrome. Identifiers: Orphanet 140162, MedGen C0027672, MeSH D009386, MONDO:0015356.

Submission:

Ambry Genetics
Classification: Uncertain significance for Hereditary cancer-predisposing syndrome. Last evaluated: 2024-08-24. Review status: criteria provided, single submitter. Criteria: Ambry Variant Classification Scheme 2023. Collection method: clinical testing. Allele origin: germline.
Comment: The p.A259V variant (also known as c.776C>T), located in coding exon 3 of the PHOX2B gene, results from a C to T substitution at nucleotide position 776. The alanine at codon 259 is replaced by valine, an amino acid with similar properties. This amino acid position is conserved. In addition, this alteration is predicted to be tolerated by in silico analysis. Based on the available evidence, the clinical significance of this variant remains unclear.